The following is an entry in ClinVar:

ClinVar aggregate classification (germline): Uncertain significance (1 of 4 stars; one submission).

Conditions:
Cardiovascular phenotype. Identifiers: MedGen CN230736.

Submission:

Ambry Genetics
Classification: Uncertain significance for Cardiovascular phenotype. Last evaluated: 2022-05-20. Review status: criteria provided, single submitter. Criteria: Ambry Variant Classification Scheme 2023. Collection method: clinical testing. Allele origin: germline.
Comment: The p.E1690K variant (also known as c.5068G>A), located in coding exon 11 of the ALPK3 gene, results from a G to A substitution at nucleotide position 5068. The glutamic acid at codon 1690 is replaced by lysine, an amino acid with similar properties. This amino acid position is conserved. In addition, this alteration is predicted to be tolerated by in silico analysis. Since supporting evidence is limited at this time, the clinical significance of this alteration remains unclear.

NM_020778.5(ALPK3):c.4462G>A (p.Glu1488Lys)

Gene: ALPK3 (alpha kinase 3; plus strand). Cytogenetic location: 15q25.3.
Variant type: single nucleotide variant.
Coding change: c.4462G>A on transcript NM_020778.5 (MANE Select); coding-DNA position 4462, G replaced by A.
Protein change: p.Glu1488Lys; replaces glutamic acid 1488 with lysine.
Molecular consequence: missense variant.
Genome position (GRCh38, 1-based): chr15:84,863,603, G>A. VCF-style: chr15-84863603-G-A. GRCh37 (hg19) VCF-style: chr15-85406834-G-A.
Other names: short protein forms E1488K.
Identifiers: ClinVar variation 1745134 (VCV001745134.2), dbSNP rs2505728460, ClinGen allele CA393363825.